The following is an entry in ClinVar:

ClinVar aggregate classification (germline): Pathogenic (1 of 4 stars; one submission).

Submission:

Labcorp Genetics (formerly Invitae), Labcorp
Classification: Pathogenic. Last evaluated: 2020-01-06. Review status: criteria provided, single submitter. Criteria: Invitae Variant Classification Sherloc (09022015). Collection method: clinical testing. Allele origin: germline.
Comment: This variant is an out-of-frame deletion of the genomic region encompassing exons 45-47 of the USH2A gene. This is expected to create a premature translational stop signal and result in an absent or disrupted protein product. A similar deletion of exons 45-47 has been reported as homozygous in an individual affected with hearing impairment (PMID: 28000701). This variant is also known as c.(8845+1_8846-1)_(9371+1_9372-1)del in the literature. Loss-of-function variants in USH2A are known to be pathogenic (PMID: 10729113, 10909849, 20507924, 25649381). For these reasons, this variant has been classified as Pathogenic.

Literature cited by the submitters: PubMed 28000701.

NC_000001.11:g.(?_215837981)_(215846043_?)del

Gene: USH2A (usherin; minus strand). Cytogenetic location: 1q41.
Variant type: Deletion.
Identifiers: ClinVar variation 831595 (VCV000831595.1).